The following is an entry in ClinVar:

NM_177438.3(DICER1):c.2947C>A (p.Leu983Ile)

Gene: DICER1 (dicer 1, ribonuclease III; minus strand). Cytogenetic location: 14q32.13.
Variant type: single nucleotide variant.
Coding change: c.2947C>A on transcript NM_177438.3 (MANE Select); coding-DNA position 2947, C replaced by A.
Protein change: p.Leu983Ile; replaces leucine 983 with isoleucine.
Molecular consequence: missense variant.
Genome position (GRCh38, 1-based): chr14:95,106,081, G>T on the plus strand (C>A on the coding strand, the complement: DICER1 is on the minus strand). VCF-style: chr14-95106081-G-T. GRCh37 (hg19) VCF-style: chr14-95572418-G-T.
Other names: c.2947C>A, p.Leu983Ile (NM_001195573.1, NM_001271282.3, NM_001291628.2 and 1 more transcripts); short protein forms L983I.
Identifiers: ClinVar variation 936944 (VCV000936944.14), dbSNP rs1267003109, ClinGen allele CA390878887.

ClinVar aggregate classification (germline): Uncertain significance. Review status: criteria provided, multiple submitters, no conflicts (2 of 4 stars). 2 submissions from 2 submitters: Uncertain significance (2). Last evaluated 2025-05-19.

Conditions:
DICER1-related tumor predisposition. Also called: DICER1 syndrome; DICER1-related pleuropulmonary blastoma cancer predisposition syndrome. Identifiers: Orphanet 284343, MedGen C3839822, MONDO:0100216.
Hereditary cancer-predisposing syndrome. Also called: Tumor predisposition; Hereditary neoplastic syndrome; Neoplastic Syndromes, Hereditary; Hereditary Cancer Syndrome. Identifiers: Orphanet 140162, MedGen C0027672, MeSH D009386, MONDO:0015356.

Submissions (2):

Ambry Genetics
Classification: Uncertain significance for Hereditary cancer-predisposing syndrome. Last evaluated: 2025-05-19. Review status: criteria provided, single submitter. Criteria: Ambry Variant Classification Scheme 2023. Collection method: clinical testing. Allele origin: germline.
Comment: The p.L983I variant (also known as c.2947C>A), located in coding exon 17 of the DICER1 gene, results from a C to A substitution at nucleotide position 2947. The leucine at codon 983 is replaced by isoleucine, an amino acid with highly similar properties. This amino acid position is highly conserved in available vertebrate species. In addition, this alteration is predicted to be tolerated by in silico analysis. Based on the available evidence, the clinical significance of this variant remains unclear.

Labcorp Genetics (formerly Invitae), Labcorp
Classification: Uncertain significance for DICER1-related tumor predisposition. Last evaluated: 2023-06-13. Review status: criteria provided, single submitter. Criteria: Invitae Variant Classification Sherloc (09022015). Collection method: clinical testing. Allele origin: germline.
Comment: ClinVar contains an entry for this variant (Variation ID: 936944). This variant has not been reported in the literature in individuals affected with DICER1-related conditions. This variant is not present in population databases (gnomAD no frequency). This sequence change replaces leucine, which is neutral and non-polar, with isoleucine, which is neutral and non-polar, at codon 983 of the DICER1 protein (p.Leu983Ile). Advanced modeling of protein sequence and biophysical properties (such as structural, functional, and spatial information, amino acid conservation, physicochemical variation, residue mobility, and thermodynamic stability) performed at Invitae indicates that this missense variant is not expected to disrupt DICER1 protein function. In summary, the available evidence is currently insufficient to determine the role of this variant in disease. Therefore, it has been classified as a Variant of Uncertain Significance.